The following is an entry in ClinVar:

NM_001370259.2(MEN1):c.637G>C (p.Ala213Pro)

Gene: MEN1 (menin 1; minus strand). Cytogenetic location: 11q13.1.
Variant type: single nucleotide variant.
Coding change: c.637G>C on transcript NM_001370259.2 (MANE Select); coding-DNA position 637, G replaced by C.
Protein change: p.Ala213Pro; replaces alanine 213 with proline.
Molecular consequence: missense variant. On other transcripts: non-coding transcript variant (4), intron variant (5).
Genome position (GRCh38, 1-based): chr11:64,807,908, C>G on the plus strand (G>C on the coding strand, the complement: MEN1 is on the minus strand). VCF-style: chr11-64807908-C-G. GRCh37 (hg19) VCF-style: chr11-64575380-C-G.
Other names: c.652G>C, p.Ala218Pro (NM_000244.4, NM_001407145.1, NM_001407150.1 and 5 more transcripts); c.637G>C, p.Ala213Pro (NM_001370251.2, NM_001370260.2, NM_001370261.2 and 7 more transcripts); c.549+88G>C (NM_001407148.1, NM_001407149.1, NM_001407151.1 and 2 more transcripts); short protein forms A218P, A213P.
Identifiers: ClinVar variation 3634204 (VCV003634204.3).

ClinVar aggregate classification (germline): Uncertain significance. Review status: criteria provided, multiple submitters, no conflicts (2 of 4 stars). 2 submissions from 2 submitters: Uncertain significance (2). Last evaluated 2026-05-20.

Conditions:
Hereditary cancer-predisposing syndrome. Also called: Hereditary neoplastic syndrome; Tumor predisposition; Hereditary Cancer Syndrome; Neoplastic Syndromes, Hereditary. Identifiers: Orphanet 140162, MedGen C0027672, MeSH D009386, MONDO:0015356.
Multiple endocrine neoplasia, type 1 (MEN1). Also called: MEN I; WERMER SYNDROME; Endocrine adenomatosis multiple; MEN 1; MEA I. Identifiers: Orphanet 652, MedGen C0025267, MeSH D018761, MONDO:0007540, OMIM 131100.

Submissions (2):

Ambry Genetics
Classification: Uncertain significance for Hereditary cancer-predisposing syndrome. Last evaluated: 2026-05-20. Review status: criteria provided, single submitter. Criteria: Ambry Variant Classification Scheme 2023. Collection method: clinical testing. Allele origin: germline.
Comment: The p.A213P variant (also known as c.637G>C), located in coding exon 2 of the MEN1 gene, results from a G to C substitution at nucleotide position 637. The alanine at codon 213 is replaced by proline, an amino acid with highly similar properties. This amino acid position is well conserved in available vertebrate species. In addition, this alteration is predicted to be deleterious by in silico analysis. Based on the available evidence, the clinical significance of this variant remains unclear.

Labcorp Genetics (formerly Invitae), Labcorp
Classification: Uncertain significance for Multiple endocrine neoplasia, type 1. Last evaluated: 2025-02-03. Review status: criteria provided, single submitter. Criteria: Invitae Variant Classification Sherloc (09022015). Collection method: clinical testing. Allele origin: germline.
Comment: This sequence change replaces alanine, which is neutral and non-polar, with proline, which is neutral and non-polar, at codon 213 of the MEN1 protein (p.Ala213Pro). This variant is not present in population databases (gnomAD no frequency). This variant has not been reported in the literature in individuals affected with MEN1-related conditions. Invitae Evidence Modeling of protein sequence and biophysical properties (such as structural, functional, and spatial information, amino acid conservation, physicochemical variation, residue mobility, and thermodynamic stability) indicates that this missense variant is not expected to disrupt MEN1 protein function with a negative predictive value of 95%. In summary, the available evidence is currently insufficient to determine the role of this variant in disease. Therefore, it has been classified as a Variant of Uncertain Significance.